The following is an entry in ClinVar:

ClinVar aggregate classification (germline): Pathogenic (1 of 4 stars; one submission).

Conditions:
Nemaline myopathy 2 (NEM2). Also called: Nemaline myopathy 2, autosomal recessive. Identifiers: MedGen C1850569, MONDO:0009725, OMIM 256030.

Submission:

Myriad Genetics, Inc.
Classification: Pathogenic for Nemaline myopathy 2. Last evaluated: 2026-04-30. Review status: criteria provided, single submitter. Criteria: Myriad Autosomal Dominant, Autosomal Recessive and X-Linked Classification Criteria (2023). Collection method: clinical testing. Allele origin: unknown.
Comment: NM_001271208.1(NEB):c.5630dupG(S1877Rfs*29) is expected to be pathogenic in the context of NEB-related nemaline myopathy. This variant is predicted to lead to an abnormal or absent protein product due to the creation of a premature termination codon in NEB, a gene where loss-of-function variants are known to be pathogenic. Please note: this variant was assessed in the context of healthy population screening.

NM_001164508.2(NEB):c.5630dup (p.Ser1877fs)

Gene: NEB (nebulin; minus strand). Cytogenetic location: 2q23.3.
Variant type: Duplication.
Coding change: c.5630dup on transcript NM_001164508.2 (MANE Select); coding-DNA position 5630, one base duplicated (G; older notation c.5630dupG).
Protein change: p.Ser1877fs; shifts the reading frame from serine 1877.
Molecular consequence: frameshift variant.
Genome position (GRCh38, 1-based): chr2:151,663,681, C duplicated on the plus strand (G on the coding strand, the reverse complement: NEB is on the minus strand). VCF-style (leftmost placement, unchanged base first): chr2-151663680-A-AC. GRCh37 (hg19) VCF-style: chr2-152520194-A-AC.
Other names: c.5630dup, p.Ser1877fs (NM_001164507.2, NM_001271208.2, NM_004543.5); short protein forms S1877fs.
Identifiers: ClinVar variation 5015845 (VCV005015845.1).
Genomic context (GRCh38, chr2:151,663,680, plus strand): 5'-GATCACGTTCCTGTAGTTGGCATTGGTGGCCACTTCCTGAGACTTCTTGGCTGCCACCAC[A>AC]CTGAGCATGTCCACCGGGGTGTGGAAGGAGGTCTTGGATTTCTCATATCCCTTCTTGTAT-3'